The following is an entry in ClinVar:

NM_015450.3(POT1):c.1378C>G (p.Leu460Val)

Gene: POT1 (protection of telomeres 1; minus strand). Cytogenetic location: 7q31.33.
Variant type: single nucleotide variant.
Coding change: c.1378C>G on transcript NM_015450.3 (MANE Select); coding-DNA position 1378, C replaced by G.
Protein change: p.Leu460Val; replaces leucine 460 with valine.
Molecular consequence: missense variant. On other transcripts: non-coding transcript variant (3).
Genome position (GRCh38, 1-based): chr7:124,835,406, G>C on the plus strand (C>G on the coding strand, the complement: POT1 is on the minus strand). VCF-style: chr7-124835406-G-C. GRCh37 (hg19) VCF-style: chr7-124475460-G-C.
Other names: c.985C>G, p.Leu329Val (NM_001042594.2); short protein forms L460V, L329V.
Identifiers: ClinVar variation 1378706 (VCV001378706.10), dbSNP rs772428072, ClinGen allele CA4465135.

ClinVar aggregate classification (germline): Conflicting classifications of pathogenicity. Review status: criteria provided, conflicting classifications (1 of 4 stars). 2 submissions from 2 submitters: Uncertain significance (1); Likely benign (1). Last evaluated 2025-10-13.

Conditions:
Hereditary cancer-predisposing syndrome. Also called: Tumor predisposition; Neoplastic Syndromes, Hereditary; Hereditary Cancer Syndrome; Hereditary neoplastic syndrome. Identifiers: Orphanet 140162, MedGen C0027672, MeSH D009386, MONDO:0015356.
Tumor predisposition syndrome 3 (TPDS3). Also called: Melanoma, cutaneous malignant, susceptibility to, 10; Glioma susceptibility 9; LONG TELOMERE SYNDROME, POT1-RELATED; POT1 Tumor Predisposition. Identifiers: Orphanet 618, MedGen C4014476, MONDO:0014368, OMIM 615848.

Allele frequency attached by ClinVar (database versions not stated): TOPMed below 0.00001; gnomAD 0.00001.
gnomAD v4.1: 35 of 1,611,204 alleles (0.0022%); highest among the groups gnomAD compares: African/African-American, 0.0013%; no homozygotes.

Submissions (2):

Labcorp Genetics (formerly Invitae), Labcorp
Classification: Uncertain significance for Tumor predisposition syndrome 3. Last evaluated: 2025-10-13. Review status: criteria provided, single submitter. Criteria: Invitae Variant Classification Sherloc (09022015). Collection method: clinical testing. Allele origin: germline.
Comment: This sequence change replaces leucine, which is neutral and non-polar, with valine, which is neutral and non-polar, at codon 460 of the POT1 protein (p.Leu460Val). This variant is present in population databases (rs772428072, gnomAD 0.01%). This variant has not been reported in the literature in individuals affected with POT1-related conditions. ClinVar contains an entry for this variant (Variation ID: 1378706). Invitae Evidence Modeling of protein sequence and biophysical properties (such as structural, functional, and spatial information, amino acid conservation, physicochemical variation, residue mobility, and thermodynamic stability) indicates that this missense variant is not expected to disrupt POT1 protein function with a negative predictive value of 80%. RNA analysis performed to evaluate the impact of this missense change on mRNA splicing indicates it does not significantly alter splicing (internal data). In summary, the available evidence is currently insufficient to determine the role of this variant in disease. Therefore, it has been classified as a Variant of Uncertain Significance.

Ambry Genetics
Classification: Likely benign for Hereditary cancer-predisposing syndrome. Last evaluated: 2023-11-22. Review status: criteria provided, single submitter. Criteria: Ambry Variant Classification Scheme 2023. Collection method: clinical testing. Allele origin: germline.